The following is an entry in ClinVar:

ClinVar aggregate classification (germline): Likely pathogenic (0 of 4 stars; one submission).

Conditions:
TMEM94-related disorder. Also called: TMEM94-related condition.

Submission:

PreventionGenetics, part of Exact Sciences
Classification: Likely pathogenic for TMEM94-related condition. Last evaluated: 2024-02-19. Review status: no assertion criteria provided. Collection method: clinical testing. Allele origin: germline.
Comment: The TMEM94 c.955-2A>G variant is predicted to disrupt the AG splice acceptor site and interfere with normal splicing. To our knowledge, this variant has not been reported in the literature or in a large population database, indicating this variant is rare. Variants that disrupt the consensus splice acceptor site in TMEM94 are expected to be pathogenic. This variant is interpreted as likely pathogenic.

NM_014738.6(TMEM94):c.955-2A>G

Gene: TMEM94 (transmembrane protein 94; plus strand). Cytogenetic location: 17q25.1.
Variant type: single nucleotide variant.
Coding change: c.955-2A>G on transcript NM_014738.6 (MANE Select); the canonical splice acceptor site of the intron before coding-DNA position 955, A replaced by G.
Molecular consequence: splice acceptor variant.
Genome position (GRCh38, 1-based): chr17:75,490,232, A>G. VCF-style: chr17-75490232-A-G. GRCh37 (hg19) VCF-style: chr17-73486313-A-G.
Other names: c.955-2A>G (NM_001321149.2, NM_001351202.2); c.985-2A>G (NM_001321148.2, NM_001351203.2).
Identifiers: ClinVar variation 3061285 (VCV003061285.2), dbSNP rs2545865194, ClinGen allele CA401011766.
Genomic context (GRCh38, chr17:75,490,232, plus strand): 5'-TCCCTTCCCTCCTCCCCAGGCCCGGAGCTCAGGAGCCATCTGTGTGGTCCGCTCCTTCCC[A>G]GGTGAATGGCGTCCTGCCCATCCTCCCCCTGCTCTTTCCAGTCCTCTGGGTTCTGGCAAC-3'